The following is an entry in ClinVar:

NM_199420.4(POLQ):c.3369A>G (p.Ser1123=)

Gene: POLQ (DNA polymerase theta; minus strand). Cytogenetic location: 3q13.33.
Variant type: single nucleotide variant.
Coding change: c.3369A>G on transcript NM_199420.4 (MANE Select); coding-DNA position 3369, A replaced by G.
Protein change: p.Ser1123=; no amino-acid change (serine 1123 retained).
Molecular consequence: synonymous variant.
Genome position (GRCh38, 1-based): chr3:121,489,562, T>C on the plus strand (A>G on the coding strand, the complement: POLQ is on the minus strand). VCF-style: chr3-121489562-T-C. GRCh37 (hg19) VCF-style: chr3-121208409-T-C.
Identifiers: ClinVar variation 1730685 (VCV001730685.26), dbSNP rs367608691, ClinGen allele CA2563065.

ClinVar aggregate classification (germline): Likely benign. Review status: criteria provided, multiple submitters, no conflicts (2 of 4 stars). 2 submissions from 2 submitters: Likely benign (2). Last evaluated 2022-09-01.

Allele frequency attached by ClinVar (database versions not stated): TOPMed 0.00010; ESP Exome Variant Server 0.00015; gnomAD 0.00017.
gnomAD v4.1: 239 of 1,612,828 alleles (0.015%); highest among the groups gnomAD compares: Middle Eastern, 0.21%; no homozygotes.

Submissions (2):

CeGaT Center for Human Genetics Tuebingen
Classification: Likely benign. Last evaluated: 2022-09-01. Review status: criteria provided, single submitter. Criteria: CeGaT Center For Human Genetics Tuebingen Variant Classification Criteria Version 2. Collection method: clinical testing. Allele origin: germline. Affected: yes. Observed: 1 variant allele.
Comment: POLQ: BP4, BP7

Ambry Genetics
Classification: Likely benign. Last evaluated: 2022-02-12. Review status: criteria provided, single submitter. Criteria: Ambry Variant Classification Scheme 2023. Collection method: clinical testing. Allele origin: germline.